The following is an entry in ClinVar:

NC_000023.11:g.48903044G>A

Genes: PQBP1 (polyglutamine binding protein 1; plus strand), SLC35A2 (solute carrier family 35 member A2; minus strand). Cytogenetic location: Xp11.23.
Variant type: single nucleotide variant.
Molecular consequence: missense variant (on NM_001032382.2).
Genome position: GRCh38 VCF-style: chrX-48903044-G-A. GRCh37 (hg19) VCF-style: chrX-48760321-G-A.
Other names: c.758G>A, p.Arg253Gln (NM_001032381.2, NM_001032382.2, NM_001032383.2 and 2 more transcripts); c.755G>A, p.Arg252Gln (NM_001167989.2); c.734G>A, p.Arg245Gln (NM_001167990.2); c.458G>A, p.Arg153Gln (NM_001167992.1); c.473G>A, p.Arg158Gln (NM_144495.3); short protein forms R153Q, R158Q, R245Q, R252Q, R253Q.
Identifiers: ClinVar variation 1304107 (VCV001304107.2), dbSNP rs1557041910, ClinGen allele CA412891877.
Genomic context (GRCh38, chrX:48,903,044, plus strand): 5'-CCACAGCAGCTGGGCCCCTCTTCCAGCAGCGGCCGTATCCATCCCCAGGGGCTGTGCTCC[G>A]GGCCAATGCAGAGGCCTCCCGAACCAAGCAGCAGGATTGAAGCTTCGGCCTCCCTGGCCC-3'

ClinVar aggregate classification (germline): Uncertain significance (1 of 4 stars; one submission).

Allele frequency attached by ClinVar (database versions not stated): gnomAD 0.00001.

Submission:

GeneDx
Classification: Uncertain significance. Last evaluated: 2020-03-12. Review status: criteria provided, single submitter. Criteria: GeneDx Variant Classification Process June 2021. Collection method: clinical testing. Allele origin: germline. Affected: yes.
Comment: Not observed in large population cohorts (Lek et al., 2016); In silico analysis supports that this missense variant has a deleterious effect on protein structure/function; Has not been previously published as pathogenic or benign to our knowledge